The following is an entry in ClinVar:

ClinVar aggregate classification (germline): Uncertain significance (1 of 4 stars; one submission).

Conditions:
Inborn genetic diseases. Identifiers: MedGen C0950123, MeSH D030342.

Allele frequency attached by ClinVar (database versions not stated): gnomAD exomes below 0.00001.
gnomAD v4.1: 2 of 1,612,496 alleles (0.00012%); highest among the groups gnomAD compares: African/African-American, 0.0013%; no homozygotes.

Submission:

Ambry Genetics
Classification: Uncertain significance for Inborn genetic diseases. Last evaluated: 2022-12-05. Review status: criteria provided, single submitter. Criteria: Ambry Variant Classification Scheme 2023. Collection method: clinical testing. Allele origin: germline.
Comment: The p.F1308V variant (also known as c.3922T>G), located in coding exon 28 of the LRRK2 gene, results from a T to G substitution at nucleotide position 3922. The phenylalanine at codon 1308 is replaced by valine, an amino acid with highly similar properties. This amino acid position is conserved. In addition, this alteration is predicted to be tolerated by in silico analysis. Since supporting evidence is limited at this time, the clinical significance of this alteration remains unclear.

NM_198578.4(LRRK2):c.3922T>G (p.Phe1308Val)

Gene: LRRK2 (leucine rich repeat kinase 2; plus strand). Cytogenetic location: 12q12.
Variant type: single nucleotide variant.
Coding change: c.3922T>G on transcript NM_198578.4 (MANE Select); coding-DNA position 3922, T replaced by G.
Protein change: p.Phe1308Val; replaces phenylalanine 1308 with valine.
Molecular consequence: missense variant.
Genome position (GRCh38, 1-based): chr12:40,305,929, T>G. VCF-style: chr12-40305929-T-G. GRCh37 (hg19) VCF-style: chr12-40699731-T-G.
Other names: short protein forms F1308V.
Identifiers: ClinVar variation 2453039 (VCV002453039.2), dbSNP rs2499795881, ClinGen allele CA384417347.